The following is an entry in ClinVar:

NM_002382.5(MAX):c.331C>G (p.Leu111Val)

Gene: MAX (MYC associated transcriptional regulator X; minus strand). Cytogenetic location: 14q23.3.
Variant type: single nucleotide variant.
Coding change: c.331C>G on transcript NM_002382.5 (MANE Select); coding-DNA position 331, C replaced by G.
Protein change: p.Leu111Val; replaces leucine 111 with valine.
Molecular consequence: missense variant. On other transcripts: 3 prime UTR variant (1), intron variant (2).
Genome position (GRCh38, 1-based): chr14:65,076,628, G>C on the plus strand (C>G on the coding strand, the complement: MAX is on the minus strand). VCF-style: chr14-65076628-G-C. GRCh37 (hg19) VCF-style: chr14-65543346-G-C.
Other names: c.142C>G, p.Leu48Val (NM_001320415.2, NM_001407105.1, NM_001407106.1 and 1 more transcripts); c.331C>G, p.Leu111Val (NM_001407094.1); c.304C>G, p.Leu102Val (NM_001407095.1, NM_145112.3); c.*104C>G (NM_001407096.1, NM_001407099.1, NM_001407102.1 and 2 more transcripts); c.*120C>G (NM_001407097.1, NM_001407100.1, NM_001407101.1 and 4 more transcripts); c.223C>G, p.Leu75Val (NM_001407098.1); c.130C>G, p.Leu44Val (NM_001407111.1, NM_001407112.1); c.144+17080C>G (NM_001271069.2); and 1 more; short protein forms L111V, L102V, L48V, L75V, L44V.
Identifiers: ClinVar variation 485703 (VCV000485703.18), dbSNP rs748675729, ClinGen allele CA7232807.
Genomic context (GRCh38, chr14:65,076,628, plus strand): 5'-TGGTGCTGCCCTTGGCGTTGGTGTAGAGGCTGTTGTCTGAGGAGGGGTAGTTGGTCTGCA[G>C]TTGGGCACTTGACCTCGCCTTCTCCAGTGCACGGACTAAAAGGCAACCAAGGGAGTGTGT-3'
Protein context (NP_002373.3, residues 101-121): ALEKARSSAQ[Leu111Val]QTNYPSSDNS

ClinVar aggregate classification (germline): Uncertain significance. Review status: criteria provided, multiple submitters, no conflicts (2 of 4 stars). 3 submissions from 3 submitters: Uncertain significance (3). Last evaluated 2025-11-19.

Conditions:
Hereditary cancer-predisposing syndrome. Also called: Neoplastic Syndromes, Hereditary; Hereditary neoplastic syndrome; Tumor predisposition; Hereditary Cancer Syndrome. Identifiers: Orphanet 140162, MedGen C0027672, MeSH D009386, MONDO:0015356.
Hereditary pheochromocytoma and paraganglioma. Also called: Hereditary Paraganglioma-Pheochromocytoma Syndromes; Hereditary paragangliomas and pheochromocytomas; Hereditary pheochromocytoma-paraganglioma. Identifiers: Orphanet 29072, MedGen C4274332, MONDO:0017366.

Allele frequency attached by ClinVar (database versions not stated): ExAC 0.00001; gnomAD exomes 0.00001; TOPMed 0.00001.
gnomAD v4.1: 7 of 1,614,070 alleles (0.00043%); highest among the groups gnomAD compares: Admixed American, 0.0017%; no homozygotes.

Submissions (3):

Labcorp Genetics (formerly Invitae), Labcorp
Classification: Uncertain significance for Hereditary pheochromocytoma and paraganglioma. Last evaluated: 2025-11-19. Review status: criteria provided, single submitter. Criteria: Invitae Variant Classification Sherloc (09022015). Collection method: clinical testing. Allele origin: germline.
Comment: This sequence change replaces leucine, which is neutral and non-polar, with valine, which is neutral and non-polar, at codon 111 of the MAX protein (p.Leu111Val). This variant is present in population databases (rs748675729, gnomAD 0.002%). This variant has not been reported in the literature in individuals affected with MAX-related conditions. ClinVar contains an entry for this variant (Variation ID: 485703). Invitae Evidence Modeling incorporating data from in vitro experimental studies (internal data) indicates that this missense variant is not expected to disrupt MAX function with a negative predictive value of 95%. In summary, the available evidence is currently insufficient to determine the role of this variant in disease. Therefore, it has been classified as a Variant of Uncertain Significance.

Ambry Genetics
Classification: Uncertain significance for Hereditary cancer-predisposing syndrome. Last evaluated: 2025-10-27. Review status: criteria provided, single submitter. Criteria: Ambry Variant Classification Scheme 2023. Collection method: clinical testing. Allele origin: germline.
Comment: The p.L111V variant (also known as c.331C>G), located in coding exon 5 of the MAX gene, results from a C to G substitution at nucleotide position 331. The leucine at codon 111 is replaced by valine, an amino acid with highly similar properties. This amino acid position is well conserved in available vertebrate species. In addition, the in silico prediction for this alteration is inconclusive. Since supporting evidence is limited at this time, the clinical significance of this alteration remains unclear.

GeneDx
Classification: Uncertain significance. Last evaluated: 2023-06-16. Review status: criteria provided, single submitter. Criteria: GeneDx Variant Classification Process June 2021. Collection method: clinical testing. Allele origin: germline. Affected: yes.
Comment: Not observed at significant frequency in large population cohorts (gnomAD); In silico analysis supports that this missense variant has a deleterious effect on protein structure/function; Has not been previously published as pathogenic or benign to our knowledge